The following is an entry in ClinVar:

ClinVar aggregate classification (germline): Conflicting classifications of pathogenicity. Review status: criteria provided, conflicting classifications (1 of 4 stars). 6 submissions from 6 submitters: Uncertain significance (5); Likely benign (1). Last evaluated 2025-11-10.

Conditions:
Hereditary breast ovarian cancer syndrome. Also called: Hereditary breast and ovarian cancer syndrome; Hereditary breast and ovarian cancer; Hereditary breast and ovarian cancer syndrome (HBOC); Breast and ovarian cancer; Hereditary breast and/or ovarian cancer syndrome; BRCA1- and BRCA2-Associated Hereditary Breast and Ovarian Cancer. Identifiers: Orphanet 145, MedGen C0677776, MeSH D061325, MONDO:0003582. Disease mechanism: loss of function.
Hereditary cancer-predisposing syndrome. Also called: Neoplastic Syndromes, Hereditary; Tumor predisposition; Hereditary Cancer Syndrome; Hereditary neoplastic syndrome. Identifiers: Orphanet 140162, MedGen C0027672, MeSH D009386, MONDO:0015356.

Allele frequency attached by ClinVar (database versions not stated): gnomAD exomes below 0.00001; TOPMed 0.00001.
gnomAD v4.1: 1 of 1,613,876 alleles (0.000062%); highest among the groups gnomAD compares: Non-Finnish European, 0.000085%; no homozygotes.

Submissions (6):

Labcorp Genetics (formerly Invitae), Labcorp
Classification: Uncertain significance for Hereditary breast ovarian cancer syndrome. Last evaluated: 2025-11-10. Review status: criteria provided, single submitter. Criteria: Invitae Variant Classification Sherloc (09022015). Collection method: clinical testing. Allele origin: germline.
Comment: This sequence change replaces threonine, which is neutral and polar, with isoleucine, which is neutral and non-polar, at codon 774 of the BRCA2 protein (p.Thr774Ile). This variant is not present in population databases (gnomAD no frequency). This variant has not been reported in the literature in individuals affected with BRCA2-related conditions. ClinVar contains an entry for this variant (Variation ID: 485407). Invitae Evidence Modeling of protein sequence and biophysical properties (such as structural, functional, and spatial information, amino acid conservation, physicochemical variation, residue mobility, and thermodynamic stability) indicates that this missense variant is not expected to disrupt BRCA2 protein function with a negative predictive value of 95%. In summary, the available evidence is currently insufficient to determine the role of this variant in disease. Therefore, it has been classified as a Variant of Uncertain Significance.

Quest Diagnostics Nichols Institute San Juan Capistrano
Classification: Uncertain significance. Last evaluated: 2023-10-18. Review status: criteria provided, single submitter. Criteria: Quest Diagnostics criteria. Collection method: clinical testing. Allele origin: unknown.
Comment: The BRCA2 c.2321C>T (p.Thr774Ile) variant has been reported in the published literature in an individual undergoing multigene panel testing due to personal or family history of cancer (PMID: 31853058 (2020)). It has also been described to be located in a region of the BRCA2 gene that is tolerant to missense sequence changes (PMID: 31911673 (2020)). This variant has not been reported in large, multi-ethnic general populations (Genome Aggregation Database). Analysis of this variant using bioinformatics tools for the prediction of the effect of amino acid changes on protein structure and function yielded predictions that this variant is benign. Based on the available information, we are unable to determine the clinical significance of this variant.

Color Diagnostics, LLC DBA Color Health
Classification: Uncertain significance for Hereditary cancer-predisposing syndrome. Last evaluated: 2023-08-16. Review status: criteria provided, single submitter. Criteria: ACMG Guidelines, 2015. Collection method: clinical testing. Allele origin: germline.
Comment: This missense variant replaces threonine with isoleucine at codon 774 of the BRCA2 protein. Computational prediction suggests that this variant may not impact protein structure and function (internally defined REVEL score threshold <= 0.5, PMID: 27666373). To our knowledge, functional studies have not been reported for this variant. This variant has not been reported in individuals affected with BRCA2-related disorders in the literature. This variant has not been identified in the general population by the Genome Aggregation Database (gnomAD). The available evidence is insufficient to determine the role of this variant in disease conclusively. Therefore, this variant is classified as a Variant of Uncertain Significance.

University of Washington Department of Laboratory Medicine, University of Washington
Classification: Likely benign for Hereditary cancer-predisposing syndrome. Last evaluated: 2023-03-23. Review status: criteria provided, single submitter. Criteria: Dines et al. (Genet Med. 2020). Collection method: curation. Allele origin: germline.
Comment: Missense variant in a coldspot region where missense variants are very unlikely to be pathogenic (PMID:31911673).

BRCA2 exon 11 coldspot. Reclassification based on statistical prior probability.

Mendelics
Classification: Uncertain significance. Last evaluated: 2022-05-04. Review status: criteria provided, single submitter. Criteria: Mendelics Assertion Criteria 2019. Collection method: clinical testing. Allele origin: germline.

Ambry Genetics
Classification: Uncertain significance for Hereditary cancer-predisposing syndrome. Last evaluated: 2021-02-08. Review status: criteria provided, single submitter. Criteria: Ambry Variant Classification Scheme 2023. Collection method: clinical testing. Allele origin: germline.
Comment: The p.T774I variant (also known as c.2321C>T), located in coding exon 10 of the BRCA2 gene, results from a C to T substitution at nucleotide position 2321. The threonine at codon 774 is replaced by isoleucine, an amino acid with similar properties. This amino acid position is poorly conserved in available vertebrate species. In addition, this alteration is predicted to be tolerated by in silico analysis. Since supporting evidence is limited at this time, the clinical significance of this alteration remains unclear.

Literature cited by the submitters: PubMed 31853058 (cited by Quest Diagnostics Nichols Institute San Juan Capistrano); PubMed 31911673 (cited by Quest Diagnostics Nichols Institute San Juan Capistrano).

NM_000059.4(BRCA2):c.2321C>T (p.Thr774Ile)

Gene: BRCA2 (BRCA2 DNA repair associated; plus strand). Cytogenetic location: 13q13.1.
Variant type: single nucleotide variant.
Coding change: c.2321C>T on transcript NM_000059.4 (MANE Select); coding-DNA position 2321, C replaced by T.
Protein change: p.Thr774Ile; replaces threonine 774 with isoleucine.
Molecular consequence: missense variant.
Genome position (GRCh38, 1-based): chr13:32,336,676, C>T. VCF-style: chr13-32336676-C-T. GRCh37 (hg19) VCF-style: chr13-32910813-C-T.
Other names: short protein forms T774I.
Identifiers: ClinVar variation 485407 (VCV000485407.22), dbSNP rs1239876081, ClinGen allele CA387771456.